The following is an entry in ClinVar:

NM_014491.4(FOXP2):c.1547C>A (p.Ala516Asp)

Gene: FOXP2 (forkhead box P2; plus strand). Cytogenetic location: 7q31.1.
Variant type: single nucleotide variant.
Coding change: c.1547C>A on transcript NM_014491.4 (MANE Select); coding-DNA position 1547, C replaced by A.
Protein change: p.Ala516Asp; replaces alanine 516 with aspartic acid.
Molecular consequence: missense variant. On other transcripts: non-coding transcript variant (2).
Genome position (GRCh38, 1-based): chr7:114,659,573, C>A. VCF-style: chr7-114659573-C-A. GRCh37 (hg19) VCF-style: chr7-114299628-C-A.
Other names: c.1544C>A, p.Ala515Asp (NM_001172766.3); c.1622C>A, p.Ala541Asp (NM_148898.4); c.1598C>A, p.Ala533Asp (NM_148900.4); short protein forms A515D, A533D, A541D, A516D.
Identifiers: ClinVar variation 2832281 (VCV002832281.3), dbSNP rs2485481951, ClinGen allele CA368965499.
Genomic context (GRCh38, chr7:114,659,573, plus strand): 5'-CATCTAGTCTAGTTAGTAAACCATTATTTTATGTCACTATGTATCTTGTCTCATTTCAGG[C>A]TATCATGGAGTCATCTGACAGGCAGTTAACACTTAATGAAATTTACAGCTGGTTTACACG-3'
Protein context (NP_055306.1, residues 506-526): PFTYATLIRQ[Ala516Asp]IMESSDRQLT

ClinVar aggregate classification (germline): Uncertain significance (1 of 4 stars; one submission).

Submission:

Labcorp Genetics (formerly Invitae), Labcorp
Classification: Uncertain significance. Last evaluated: 2023-01-27. Review status: criteria provided, single submitter. Criteria: Invitae Variant Classification Sherloc (09022015). Collection method: clinical testing. Allele origin: germline.
Comment: Algorithms developed to predict the effect of missense changes on protein structure and function are either unavailable or do not agree on the potential impact of this missense change (SIFT: "Deleterious"; PolyPhen-2: "Not Available"; Align-GVGD: "Class C65"). In summary, the available evidence is currently insufficient to determine the role of this variant in disease. Therefore, it has been classified as a Variant of Uncertain Significance. This variant has not been reported in the literature in individuals affected with FOXP2-related conditions. This sequence change replaces alanine, which is neutral and non-polar, with aspartic acid, which is acidic and polar, at codon 516 of the FOXP2 protein (p.Ala516Asp). This variant is not present in population databases (gnomAD no frequency).